The following is an entry in ClinVar:

NM_018052.5(VAC14):c.1011dup (p.Glu338fs)

Gene: VAC14 (VAC14 component of PIKFYVE complex; minus strand). Cytogenetic location: 16q22.1.
Variant type: Duplication.
Coding change: c.1011dup on transcript NM_018052.5 (MANE Select); coding-DNA position 1011, one base duplicated (C; older notation c.1011dupC).
Protein change: p.Glu338fs; shifts the reading frame from glutamic acid 338.
Molecular consequence: frameshift variant.
Genome position (GRCh38, 1-based): chr16:70,780,875, G duplicated on the plus strand (C on the coding strand, the reverse complement: VAC14 is on the minus strand). VCF-style (leftmost placement, unchanged base first): chr16-70780874-C-CG. GRCh37 (hg19) VCF-style: chr16-70814777-C-CG.
Other names: c.309dup, p.Glu104fs (NM_001351157.2); short protein forms E104fs, E338fs.
Identifiers: ClinVar variation 3660543 (VCV003660543.2).

ClinVar aggregate classification (germline): Pathogenic (1 of 4 stars; one submission).

Submission:

Labcorp Genetics (formerly Invitae), Labcorp
Classification: Pathogenic. Last evaluated: 2024-07-24. Review status: criteria provided, single submitter. Criteria: Invitae Variant Classification Sherloc (09022015). Collection method: clinical testing. Allele origin: germline.
Comment: This sequence change creates a premature translational stop signal (p.Glu338Argfs*4) in the VAC14 gene. It is expected to result in an absent or disrupted protein product. Loss-of-function variants in VAC14 are known to be pathogenic (PMID: 17956977, 28635952). This variant is not present in population databases (gnomAD no frequency). This variant has not been reported in the literature in individuals affected with VAC14-related conditions. Algorithms developed to predict the effect of sequence changes on RNA splicing suggest that this variant may disrupt the consensus splice site. For these reasons, this variant has been classified as Pathogenic.

Literature cited by the submitters: PubMed 17956977; PubMed 28635952.